The following is an entry in ClinVar:

NM_001103.4(ACTN2):c.1905C>T (p.Asn635=)

Gene: ACTN2 (actinin alpha 2; plus strand). Cytogenetic location: 1q43.
Variant type: single nucleotide variant.
Coding change: c.1905C>T on transcript NM_001103.4 (MANE Select); coding-DNA position 1905, C replaced by T.
Protein change: p.Asn635=; no amino-acid change (asparagine 635 retained).
Molecular consequence: synonymous variant.
Genome position (GRCh38, 1-based): chr1:236,754,012, C>T. VCF-style: chr1-236754012-C-T. GRCh37 (hg19) VCF-style: chr1-236917312-C-T.
Other names: c.1905C>T, p.Asn635= (NM_001278343.2); c.1281C>T, p.Asn427= (NM_001278344.2); c.1905C>T (NM_001103.2).
Identifiers: ClinVar variation 1140337 (VCV001140337.11), dbSNP rs772586220, ClinGen allele CA1473283.

ClinVar aggregate classification (germline): Likely benign. Review status: criteria provided, multiple submitters, no conflicts (2 of 4 stars). 3 submissions from 3 submitters: Likely benign (3). Last evaluated 2026-01-19.

Conditions:
Dilated cardiomyopathy 1AA (CMD1AA). Also called: CARDIOMYOPATHY, DILATED, 1AA, WITH OR WITHOUT LEFT VENTRICULAR NONCOMPACTION; CARDIOMYOPATHY, FAMILIAL HYPERTROPHIC, 23, WITH OR WITHOUT LEFT VENTRICULAR NONCOMPACTION; Cardiomyopathy, dilated, 1AA, with or without LVNC. Identifiers: Orphanet 154, MedGen C2677338, MONDO:0012808, OMIM 612158.
Primary familial hypertrophic cardiomyopathy (HCM). Identifiers: Orphanet 99739, MedGen C0949658, MeSH D024741, MONDO:0024573. Inheritance: Various modes of inheritance.
Cardiovascular phenotype. Identifiers: MedGen CN230736.

Allele frequency attached by ClinVar (database versions not stated): gnomAD exomes below 0.00001 and 0.00001; ExAC 0.00001; gnomAD 0.00001.
gnomAD v4.1: 10 of 1,614,150 alleles (0.00062%); highest among the groups gnomAD compares: Middle Eastern, 0.016%; no homozygotes.

Submissions (3):

Labcorp Genetics (formerly Invitae), Labcorp
Classification: Likely benign for Primary familial hypertrophic cardiomyopathy; Dilated cardiomyopathy 1AA. Last evaluated: 2026-01-19. Review status: criteria provided, single submitter. Criteria: Invitae Variant Classification Sherloc (09022015). Collection method: clinical testing. Allele origin: germline.

Ambry Genetics
Classification: Likely benign for Cardiovascular phenotype. Last evaluated: 2025-07-12. Review status: criteria provided, single submitter. Criteria: Ambry Variant Classification Scheme 2023. Collection method: clinical testing. Allele origin: germline.

Women's Health and Genetics/Laboratory Corporation of America, LabCorp
Classification: Likely benign. Last evaluated: 2021-07-19. Review status: criteria provided, single submitter. Criteria: LabCorp Variant Classification Summary - May 2015. Collection method: clinical testing. Allele origin: germline.
Comment: Variant summary: ACTN2 c.1905C>T alters a conserved nucleotide resulting in a synonymous change. 4/4 computational tools predict no significant impact on normal splicing. However, these predictions have yet to be confirmed by functional studies. The variant allele was found at a frequency of 1.2e-05 in 251262 control chromosomes (gnomAD). The available data on variant occurrences in the general population are insufficient to allow any conclusion about variant significance. To our knowledge, no occurrence of c.1905C>T in individuals affected with Cardiomyopathy and no experimental evidence demonstrating its impact on protein function have been reported. One clinical diagnostic laboratory has submitted clinical-significance assessments for this variant to ClinVar after 2014 without evidence for independent evaluation and classified the variant as likely benign. Based on the evidence outlined above, the variant was classified as likely benign.